The following is an entry in ClinVar:

NM_000388.4(CASR):c.2108T>C (p.Leu703Pro)

Gene: CASR (calcium sensing receptor; plus strand). Cytogenetic location: 3q21.1.
Variant type: single nucleotide variant.
Coding change: c.2108T>C on transcript NM_000388.4 (MANE Select); coding-DNA position 2108, T replaced by C.
Protein change: p.Leu703Pro; replaces leucine 703 with proline.
Molecular consequence: missense variant.
Genome position (GRCh38, 1-based): chr3:122,284,062, T>C. VCF-style: chr3-122284062-T-C. GRCh37 (hg19) VCF-style: chr3-122002909-T-C.
Other names: c.2138T>C, p.Leu713Pro (NM_001178065.2); short protein forms L703P, L713P.
Identifiers: ClinVar variation 287538 (VCV000287538.10), dbSNP rs886043656, ClinGen allele CA10605790.

ClinVar aggregate classification (germline): Uncertain significance. Review status: criteria provided, multiple submitters, no conflicts (2 of 4 stars). 2 submissions from 2 submitters: Uncertain significance (2). Last evaluated 2022-11-10.

Conditions:
Autosomal dominant hypocalcemia 1 (HYPOC1). Also called: HYPOCALCEMIA, FAMILIAL. Identifiers: MedGen C3715128, MONDO:0011013, OMIM 601198.
Familial hypocalciuric hypercalcemia (FHH). Also called: Familial benign hypercalcemia. Identifiers: Orphanet 405, MedGen C1809471, MONDO:0018458.

Submissions (2):

Labcorp Genetics (formerly Invitae), Labcorp
Classification: Uncertain significance for Familial hypocalciuric hypercalcemia; Autosomal dominant hypocalcemia 1. Last evaluated: 2022-11-10. Review status: criteria provided, single submitter. Criteria: Invitae Variant Classification Sherloc (09022015). Collection method: clinical testing. Allele origin: germline.
Comment: In summary, the available evidence is currently insufficient to determine the role of this variant in disease. Therefore, it has been classified as a Variant of Uncertain Significance. Algorithms developed to predict the effect of missense changes on protein structure and function (SIFT, PolyPhen-2, Align-GVGD) all suggest that this variant is likely to be disruptive. ClinVar contains an entry for this variant (Variation ID: 287538). This variant has not been reported in the literature in individuals affected with CASR-related conditions. This variant is not present in population databases (gnomAD no frequency). This sequence change replaces leucine, which is neutral and non-polar, with proline, which is neutral and non-polar, at codon 703 of the CASR protein (p.Leu703Pro).

Eurofins Ntd Llc (ga)
Classification: Uncertain significance. Last evaluated: 2016-06-02. Review status: criteria provided, single submitter. Criteria: EGL Classification Definitions 2015. Collection method: clinical testing. Allele origin: germline. Observed: 1 variant allele, 1 heterozygote.